The following is an entry in ClinVar:

ClinVar aggregate classification (germline): Pathogenic. Review status: criteria provided, multiple submitters, no conflicts (2 of 4 stars). 2 submissions from 2 submitters: Pathogenic (2). Last evaluated 2026-01-15.

Conditions:
2-aminoadipic 2-oxoadipic aciduria (AAKAD). Also called: Aminoadipic aciduria; ALPHA-AMINOADIPIC AND ALPHA-KETOADIPIC ACIDURIA. Identifiers: Orphanet 79154, MedGen C1859817, MONDO:0008774, OMIM 204750.

Allele frequency attached by ClinVar (database versions not stated): gnomAD exomes below 0.00001.

Submissions (2):

Labcorp Genetics (formerly Invitae), Labcorp
Classification: Pathogenic for 2-aminoadipic 2-oxoadipic aciduria. Last evaluated: 2026-01-15. Review status: criteria provided, single submitter. Criteria: Invitae Variant Classification Sherloc (09022015). Collection method: clinical testing. Allele origin: germline.
Comment: This sequence change creates a premature translational stop signal (p.Glu250Asnfs*16) in the DHTKD1 gene. It is expected to result in an absent or disrupted protein product. Loss-of-function variants in DHTKD1 are known to be pathogenic (PMID: 23141293, 25860818). This variant is not present in population databases (gnomAD no frequency). This variant has not been reported in the literature in individuals affected with DHTKD1-related conditions. ClinVar contains an entry for this variant (Variation ID: 570348). For these reasons, this variant has been classified as Pathogenic.

Women's Health and Genetics/Laboratory Corporation of America, LabCorp
Classification: Pathogenic for 2-aminoadipic 2-oxoadipic aciduria. Last evaluated: 2024-04-17. Review status: criteria provided, single submitter. Criteria: LabCorp Variant Classification Summary - May 2015. Collection method: clinical testing. Allele origin: germline.
Comment: Variant summary: DHTKD1 c.748delG (p.Glu250AsnfsX16) results in a premature termination codon, predicted to cause a truncation of the encoded protein or absence of the protein due to nonsense mediated decay, which are commonly known mechanisms for disease. The variant was absent in 251252 control chromosomes. To our knowledge, no occurrence of c.748delG in individuals affected with 2-Aminoadipic 2-Oxoadipic Aciduria and no experimental evidence demonstrating its impact on protein function have been reported. ClinVar contains an entry for this variant (Variation ID: 570348). Based on the evidence outlined above, the variant was classified as pathogenic.

Literature cited by the submitters: PubMed 23141293 (cited by Labcorp Genetics (formerly Invitae), Labcorp); PubMed 25860818 (cited by Labcorp Genetics (formerly Invitae), Labcorp).

NM_018706.7(DHTKD1):c.748del (p.Glu250fs)

Gene: DHTKD1 (dehydrogenase E1 and transketolase domain containing 1; plus strand). Cytogenetic location: 10p14.
Variant type: Deletion.
Coding change: c.748del on transcript NM_018706.7 (MANE Select); coding-DNA position 748, one base deleted (G; older notation c.748delG).
Protein change: p.Glu250fs; shifts the reading frame from glutamic acid 250.
Molecular consequence: frameshift variant.
Genome position (GRCh38, 1-based): chr10:12,089,016, G deleted. VCF-style (leftmost placement, unchanged base first): chr10-12089015-TG-T. GRCh37 (hg19) VCF-style: chr10-12131014-TG-T.
Other names: c.748delG (NM_018706.7); short protein forms E250fs.
Identifiers: ClinVar variation 570348 (VCV000570348.4), dbSNP rs1564391327, ClinGen allele CA891843226.
Genomic context (GRCh38, chr10:12,089,015, plus strand): 5'-ATTTTTTTCCTTTTGAATGTATCCACAATAGCTGATGTTCCGTAAAATGCGAGGCTTAAG[TG>T]AATTTCCAGAGAATTTCTCAGCCACTGGAGACGTCCTGTCTCACCTGACCTCCTCTGTGG-3'